The following is an entry in ClinVar:

NM_002439.5(MSH3):c.1394A>G (p.Tyr465Cys)

Gene: MSH3 (mutS homolog 3; plus strand). Cytogenetic location: 5q14.1.
Variant type: single nucleotide variant.
Coding change: c.1394A>G on transcript NM_002439.5 (MANE Select); coding-DNA position 1394, A replaced by G.
Protein change: p.Tyr465Cys; replaces tyrosine 465 with cysteine.
Molecular consequence: missense variant.
Genome position (GRCh38, 1-based): chr5:80,725,506, A>G. VCF-style: chr5-80725506-A-G. GRCh37 (hg19) VCF-style: chr5-80021325-A-G.
Other names: short protein forms Y465C.
Identifiers: ClinVar variation 653005 (VCV000653005.48), dbSNP rs35009542, ClinGen allele CA3327894.
Genomic context (GRCh38, chr5:80,725,506, plus strand): 5'-CTTTCAGTGTGCAGGATGACAGAATTCGAGTCGAAAGGATGGATAACATTTATTTTGAAT[A>G]CAGCCATGCTTTCCAGGCAGTTACAGAGTTTTATGCAAAAGATACAGTTGACATCAAAGG-3'
Protein context (NP_002430.3, residues 455-475): VERMDNIYFE[Tyr465Cys]SHAFQAVTEF

ClinVar aggregate classification (germline): Uncertain significance. Review status: criteria provided, multiple submitters, no conflicts (2 of 4 stars). 13 submissions from 13 submitters: Uncertain significance (13). Last evaluated 2026-09-09.

Conditions:
Hereditary cancer-predisposing syndrome. Also called: Neoplastic Syndromes, Hereditary; Hereditary Cancer Syndrome; Tumor predisposition; Hereditary neoplastic syndrome. Identifiers: Orphanet 140162, MedGen C0027672, MeSH D009386, MONDO:0015356.
Endometrial carcinoma. Also called: Endometrial carcinoma, somatic. Identifiers: MedGen C0476089, MONDO:0002447, OMIM 608089, HP:0012114.
MSH3-related disorder. Also called: MSH3-related condition.
Familial adenomatous polyposis 4 (FAP4). Also called: MSH3-related attenuated familial adenomatous polyposis. Identifiers: Orphanet 480536, MedGen C4310719, MONDO:0044300, OMIM 617100.

Allele frequency attached by ClinVar (database versions not stated): gnomAD exomes 0.00020 and 0.00034; ExAC 0.00021; ESP Exome Variant Server 0.00023; TOPMed 0.00026; gnomAD 0.00031 and 0.00032.
gnomAD v4.1: 537 of 1,613,960 alleles (0.033%); highest among the groups gnomAD compares: Non-Finnish European, 0.043%; no homozygotes.

Submissions (13):

PreventionGenetics, part of Exact Sciences
Classification: Uncertain significance for MSH3-related condition. Last evaluated: 2026-09-09. Review status: criteria provided, single submitter. Criteria: ACMG Guidelines, 2015. Collection method: clinical testing. Allele origin: germline.
Comment: The MSH3 c.1394A>G variant is predicted to result in the amino acid substitution p.Tyr465Cys. This variant has been reported in an individual with polyposis (Table S1, Terradas et al. 2019. PubMed ID: 31243857) and in an individual with endometrial cancer (Table 1, Singh et al. 2020. PubMed ID: 32634176). However this variant was also observed in a control cohort (UK10K_DNArep in Supplement, Pritchard et al. 2018. PubMed ID: 29641532). This variant is reported in 0.043% of alleles in individuals of European (Non-Finnish) descent in gnomAD and is interpreted as uncertain significance in ClinVar (Variation ID: 653005). At this time, the clinical significance of this variant is uncertain due to the absence of conclusive functional and genetic evidence.

Quest Diagnostics Nichols Institute San Juan Capistrano
Classification: Uncertain significance. Last evaluated: 2025-08-07. Review status: criteria provided, single submitter. Criteria: Quest Diagnostics criteria. Collection method: clinical testing. Allele origin: unknown.
Comment: The MSH3 c.1394A>G (p.Tyr465Cys) variant has been reported in the published literature in individuals with polyposis (PMID: 31243857 (2019)), renal cell carcinoma (PMID: 37095444 (2023)), and endometrial cancer (PMID: 32634176 (2020)). Additionally, this variant has been identified in reportedly healthy individuals (PMIDs: 31243857 (2019), 29641532 (2018)). The frequency of this variant in the general population (Genome Aggregation Database) is higher than would generally be expected for pathogenic variants in this gene. Analysis of this variant using bioinformatics tools for the prediction of the effect of amino acid changes on protein structure and function yielded predictions that this variant is damaging. Based on the available information, we are unable to determine the clinical significance of this variant.

Ambry Genetics
Classification: Uncertain significance for Hereditary cancer-predisposing syndrome. Last evaluated: 2025-05-19. Review status: criteria provided, single submitter. Criteria: Ambry Variant Classification Scheme 2023. Collection method: clinical testing. Allele origin: germline.
Comment: The p.Y465C variant (also known as c.1394A>G), located in coding exon 9 of the MSH3 gene, results from an A to G substitution at nucleotide position 1394. The tyrosine at codon 465 is replaced by cysteine, an amino acid with highly dissimilar properties. No other alterations in MSH3 were reportedly detected in this individual (Terradas M et al. Hum Mutat, 2019 11;40:1910-1923). This alteration was also detected in an individual diagnosed with endometrial cancer who had a first degree relative with ovarian cancer (Singh AK et al. PLoS One, 2020 Jul;15:e0235613). This alteration was identified in 1/1358 non-cancer control individuals and in 0/57 cases, in a study looking at cancer predisposition mutations in patients with cutaneous melanoma and a history of at least two additional non-cutaneous melanoma primary cancers (Pritchard AL et al. PLoS One, 2018 Apr;13:e0194098). This amino acid position is well conserved in available vertebrate species. In addition, the in silico prediction for this alteration is inconclusive. Based on the available evidence, the clinical significance of this variant remains unclear.

CeGaT Center for Human Genetics Tuebingen
Classification: Uncertain significance. Last evaluated: 2025-04-01. Review status: criteria provided, single submitter. Criteria: CeGaT Center For Human Genetics Tuebingen Variant Classification Criteria Version 2. Collection method: clinical testing. Allele origin: germline. Affected: yes. Observed: 1 variant allele.

Center for Genomic Medicine, Rigshospitalet, Copenhagen University Hospital
Classification: Uncertain significance. Last evaluated: 2025-03-04. Review status: criteria provided, single submitter. Criteria: ACMG Guidelines, 2015. Collection method: clinical testing. Allele origin: germline.

Labcorp Genetics (formerly Invitae), Labcorp
Classification: Uncertain significance. Last evaluated: 2025-01-28. Review status: criteria provided, single submitter. Criteria: Invitae Variant Classification Sherloc (09022015). Collection method: clinical testing. Allele origin: germline.
Comment: This sequence change replaces tyrosine, which is neutral and polar, with cysteine, which is neutral and slightly polar, at codon 465 of the MSH3 protein (p.Tyr465Cys). This variant is present in population databases (rs35009542, gnomAD 0.04%). This missense change has been observed in individual(s) with endometrial cancer and/or polyposis (PMID: 31243857, 32634176). ClinVar contains an entry for this variant (Variation ID: 653005). An algorithm developed to predict the effect of missense changes on protein structure and function (PolyPhen-2) suggests that this variant is likely to be disruptive. In summary, the available evidence is currently insufficient to determine the role of this variant in disease. Therefore, it has been classified as a Variant of Uncertain Significance.

GeneDx
Classification: Uncertain significance. Last evaluated: 2024-12-17. Review status: criteria provided, single submitter. Criteria: GeneDx Variant Classification Process June 2021. Collection method: clinical testing. Allele origin: germline. Affected: yes.
Comment: Observed in individuals with endometrial cancer, renal cancer, or colorectal polyps (PMID: 32634176, 31243857, 37095444); In silico analysis supports that this missense variant has a deleterious effect on protein structure/function; This variant is associated with the following publications: (PMID: 31243857, 32634176, 21153778, 29641532, 37095444)

Blueprint Genetics
Classification: Uncertain significance. Last evaluated: 2024-05-31. Review status: criteria provided, single submitter. Criteria: ACMG Guidelines, 2015. Collection method: clinical testing. Allele origin: germline.

Baylor Genetics
Classification: Uncertain significance for Endometrial carcinoma. Last evaluated: 2024-03-29. Review status: criteria provided, single submitter. Criteria: ACMG Guidelines, 2015. Collection method: clinical testing. Allele origin: unknown.

Fulgent Genetics
Classification: Uncertain significance for Endometrial carcinoma; Familial adenomatous polyposis 4. Last evaluated: 2024-03-06. Review status: criteria provided, single submitter. Criteria: ACMG Guidelines, 2015. Collection method: clinical testing. Allele origin: germline.

St. Jude Molecular Pathology, St. Jude Children's Research Hospital
Classification: Uncertain significance for Familial adenomatous polyposis 4. Last evaluated: 2023-10-18. Review status: criteria provided, single submitter. Criteria: St. Jude Assertion Criteria 2020. Collection method: clinical testing. Allele origin: germline.
Comment: The MSH3 c.1394A>G (p.Tyr465Cys) missense change has a maximum subpopulation frequency of 0.043% in gnomAD v2.1.1. The in silico tool REVEL is inconclusive about a pathogenic or benign effect of this variant on protein function, and to our knowledge functional studies have not been performed. This variant has been reported in one individual with endometrial cancer (PMID: 32634176). In a case-control study, this variant has been reported in 1 of 431 individuals with polyposis and 1 of 4300 controls (OR=10, PMID: 31243857). It has also been identified in 1 of 1358 control individuals collected as part of non-cancer studies (PMID: 29641532). In summary, the evidence currently available is insufficient to determine the clinical significance of this variant. It has therefore been classified as of uncertain significance.

Department of Pathology and Laboratory Medicine, Sinai Health System
Classification: Uncertain significance for Endometrial carcinoma; Familial adenomatous polyposis 4. Last evaluated: 2023-04-05. Review status: criteria provided, single submitter. Criteria: ACMG Guidelines, 2015. Collection method: clinical testing. Allele origin: germline. Affected: yes.

Sema4
Classification: Uncertain significance for Hereditary cancer-predisposing syndrome. Last evaluated: 2021-11-01. Review status: criteria provided, single submitter. Criteria: Sema4 Curation Guidelines. Collection method: curation. Allele origin: germline.
Comment: The MSH3 c.1394A>G (p.Y465C) variant has been reported in heterozygosity in at least one individual with polyposis and colorectal cancer and in a second individual with endometrial cancer (PMID: 31243857, 32634176). It was observed in 55/129046 chromosomes of the Non-Finnish European subpopulation, with no homozygotes, in the large and broad cohorts of the Genome Aggregation Database (PMID: 32461654). The variant has been reported in ClinVar (Variation ID 653005). Functional studies have not been performed, and in silico predictions of the variant's effect on protein function are inconclusive. The evidence is insufficient to meet ACMG/AMP criteria for classifying the variant as benign or pathogenic. Thus, the clinical significance of this variant is currently uncertain.

Literature cited by the submitters: PubMed 37095444 (cited by Quest Diagnostics Nichols Institute San Juan Capistrano); PubMed 31243857 (cited by 6 submitters); PubMed 32634176 (cited by 6 submitters); PubMed 21153778 (cited by Quest Diagnostics Nichols Institute San Juan Capistrano); PubMed 29641532 (cited by Quest Diagnostics Nichols Institute San Juan Capistrano and Ambry Genetics).